The following is an entry in ClinVar:

NM_003823.4(TNFRSF6B):c.422C>T (p.Pro141Leu)

Genes: RTEL1-TNFRSF6B (RTEL1-TNFRSF6B readthrough (NMD candidate); plus strand), TNFRSF6B (TNF receptor superfamily member 6b; plus strand). Cytogenetic location: 20q13.33.
Variant type: single nucleotide variant.
Coding change: c.422C>T on transcript NM_003823.4 (MANE Select); coding-DNA position 422, C replaced by T.
Protein change: p.Pro141Leu; replaces proline 141 with leucine.
Molecular consequence: missense variant. On other transcripts: non-coding transcript variant (1).
Genome position (GRCh38, 1-based): chr20:63,697,189, C>T. VCF-style: chr20-63697189-C-T. GRCh37 (hg19) VCF-style: chr20-62328542-C-T.
Other names: short protein forms P141L.
Identifiers: ClinVar variation 1940010 (VCV001940010.5), dbSNP rs866513427, ClinGen allele CA317534549.

ClinVar aggregate classification (germline): Uncertain significance (1 of 4 stars; one submission).

gnomAD v4.1: 20 of 1,557,620 alleles (0.0013%); highest among the groups gnomAD compares: South Asian, 0.0012%; no homozygotes.

Submission:

Labcorp Genetics (formerly Invitae), Labcorp
Classification: Uncertain significance. Last evaluated: 2026-01-12. Review status: criteria provided, single submitter. Criteria: Invitae Variant Classification Sherloc (09022015). Collection method: clinical testing. Allele origin: germline.
Comment: This sequence change replaces proline, which is neutral and non-polar, with leucine, which is neutral and non-polar, at codon 141 of the TNFRSF6B protein (p.Pro141Leu). The frequency data for this variant in the population databases is considered unreliable, as metrics indicate poor data quality at this position in the gnomAD database. This variant has not been reported in the literature in individuals affected with TNFRSF6B-related conditions. ClinVar contains an entry for this variant (Variation ID: 1940010). An algorithm developed to predict the effect of missense changes on protein structure and function outputs the following: PolyPhen-2: "Benign". The leucine amino acid residue is found in multiple mammalian species, which suggests that this missense change does not adversely affect protein function. In summary, the available evidence is currently insufficient to determine the role of this variant in disease. Therefore, it has been classified as a Variant of Uncertain Significance.